The following is an entry in ClinVar:

NM_001378457.1(DMXL2):c.2008C>T (p.His670Tyr)

Gene: DMXL2 (Dmx like 2; minus strand). Cytogenetic location: 15q21.2.
Variant type: single nucleotide variant.
Coding change: c.2008C>T on transcript NM_001378457.1 (MANE Select); coding-DNA position 2008, C replaced by T.
Protein change: p.His670Tyr; replaces histidine 670 with tyrosine.
Molecular consequence: missense variant. On other transcripts: non-coding transcript variant (2).
Genome position (GRCh38, 1-based): chr15:51,536,472, G>A on the plus strand (C>T on the coding strand, the complement: DMXL2 is on the minus strand). VCF-style: chr15-51536472-G-A. GRCh37 (hg19) VCF-style: chr15-51828669-G-A.
Other names: c.2008C>T, p.His670Tyr (NM_001174116.3, NM_001174117.3, NM_001378458.1 and 6 more transcripts); c.1768C>T, p.His590Tyr (NM_001378464.1); short protein forms H670Y, H590Y.
Identifiers: ClinVar variation 1950518 (VCV001950518.5), dbSNP rs2548605756, ClinGen allele CA392443297.

ClinVar aggregate classification (germline): Uncertain significance (1 of 4 stars; one submission).

Allele frequency attached by ClinVar (database versions not stated): gnomAD exomes below 0.00001.
gnomAD v4.1: 1 of 1,614,038 alleles (0.000062%); highest among the groups gnomAD compares: Non-Finnish European, 0.000085%; no homozygotes.

Submission:

Labcorp Genetics (formerly Invitae), Labcorp
Classification: Uncertain significance. Last evaluated: 2022-06-09. Review status: criteria provided, single submitter. Criteria: Invitae Variant Classification Sherloc (09022015). Collection method: clinical testing. Allele origin: germline.
Comment: In summary, the available evidence is currently insufficient to determine the role of this variant in disease. Therefore, it has been classified as a Variant of Uncertain Significance. Algorithms developed to predict the effect of missense changes on protein structure and function are either unavailable or do not agree on the potential impact of this missense change (SIFT: "Deleterious"; PolyPhen-2: "Probably Damaging"; Align-GVGD: "Class C15"). This variant has not been reported in the literature in individuals affected with DMXL2-related conditions. This variant is not present in population databases (gnomAD no frequency). This sequence change replaces histidine, which is basic and polar, with tyrosine, which is neutral and polar, at codon 670 of the DMXL2 protein (p.His670Tyr).